The following is an entry in ClinVar:

NM_152365.3(KDF1):c.321G>T (p.Arg107=)

Gene: KDF1 (keratinocyte differentiation factor 1; minus strand). Cytogenetic location: 1p36.11.
Variant type: single nucleotide variant.
Coding change: c.321G>T on transcript NM_152365.3 (MANE Select); coding-DNA position 321, G replaced by T.
Protein change: p.Arg107=; no amino-acid change (arginine 107 retained).
Molecular consequence: synonymous variant.
Genome position (GRCh38, 1-based): chr1:26,952,060, C>A on the plus strand (G>T on the coding strand, the complement: KDF1 is on the minus strand). VCF-style: chr1-26952060-C-A. GRCh37 (hg19) VCF-style: chr1-27278551-C-A.
Identifiers: ClinVar variation 3043086 (VCV003043086.2), dbSNP rs371561424, ClinGen allele CA710336.
Genomic context (GRCh38, chr1:26,952,060, plus strand): 5'-CCAGTTGGCTTCAGCAGTCCCCTCAGTGGAGTCCTCAGTAGACAGGCAGGGGCTGCATCC[C>A]CGCACACAGGCTCCACAGCGCTGGAGGCAATCCCGGCAGCGGCGGAAGCAGAAGGCAGCC-3'
Protein context (NP_689578.2, residues 97-117): DCLQRCGACV[Arg107=]GCSPCLSTED

ClinVar aggregate classification (germline): Likely benign (0 of 4 stars; one submission).

Conditions:
KDF1-related disorder. Also called: KDF1-related condition.

Allele frequency attached by ClinVar (database versions not stated): gnomAD 0.00001; ExAC 0.00003; TOPMed 0.00003; ESP Exome Variant Server 0.00008; gnomAD exomes 0.00008.
gnomAD v4.1: 116 of 1,613,316 alleles (0.0072%); highest among the groups gnomAD compares: Non-Finnish European, 0.0096%; no homozygotes.

Submission:

PreventionGenetics, part of Exact Sciences
Classification: Likely benign for KDF1-related condition. Last evaluated: 2019-06-24. Review status: no assertion criteria provided. Collection method: clinical testing. Allele origin: germline.
Comment: This variant is classified as likely benign based on ACMG/AMP sequence variant interpretation guidelines (Richards et al. 2015 PMID: 25741868, with internal and published modifications).